The following is an entry in ClinVar:

ClinVar aggregate classification (germline): Uncertain significance (1 of 4 stars; one submission).

Submission:

Labcorp Genetics (formerly Invitae), Labcorp
Classification: Uncertain significance. Last evaluated: 2025-01-07. Review status: criteria provided, single submitter. Criteria: Invitae Variant Classification Sherloc (09022015). Collection method: clinical testing. Allele origin: germline.
Comment: This sequence change replaces alanine, which is neutral and non-polar, with glycine, which is neutral and non-polar, at codon 609 of the FGFR3 protein (p.Ala609Gly). This variant is present in population databases (no rsID available, gnomAD 0.007%). This variant has not been reported in the literature in individuals affected with FGFR3-related conditions. ClinVar contains an entry for this variant (Variation ID: 2709747). Invitae Evidence Modeling of protein sequence and biophysical properties (such as structural, functional, and spatial information, amino acid conservation, physicochemical variation, residue mobility, and thermodynamic stability) has been performed for this missense variant. However, the output from this modeling did not meet the statistical confidence thresholds required to predict the impact of this variant on FGFR3 protein function. In summary, the available evidence is currently insufficient to determine the role of this variant in disease. Therefore, it has been classified as a Variant of Uncertain Significance.

NM_000142.5(FGFR3):c.1826C>G (p.Ala609Gly)

Gene: FGFR3 (fibroblast growth factor receptor 3; plus strand). Cytogenetic location: 4p16.3.
Variant type: single nucleotide variant.
Coding change: c.1826C>G on transcript NM_000142.5 (MANE Select); coding-DNA position 1826, C replaced by G.
Protein change: p.Ala609Gly; replaces alanine 609 with glycine.
Molecular consequence: missense variant. On other transcripts: non-coding transcript variant (1).
Genome position (GRCh38, 1-based): chr4:1,805,930, C>G. VCF-style: chr4-1805930-C-G. GRCh37 (hg19) VCF-style: chr4-1807657-C-G.
Other names: c.1832C>G, p.Ala611Gly (NM_001163213.2); c.1829C>G, p.Ala610Gly (NM_001354809.2, NM_001354810.2); c.1490C>G, p.Ala497Gly (NM_022965.4); short protein forms A611G, A609G, A610G, A497G.
Identifiers: ClinVar variation 2709747 (VCV002709747.3), dbSNP rs142093553, ClinGen allele CA91257326.
Genomic context (GRCh38, chr4:1,805,930, plus strand): 5'-TCACCTTCAAGGACCTGGTGTCCTGTGCCTACCAGGTGGCCCGGGGCATGGAGTACTTGG[C>G]CTCCCAGAAGGTGGGCAGGGCGGCAGGTGTGGGTGGAGTAGGCTGGGCCCTGCCCTGAGA-3'
Protein context (NP_000133.1, residues 599-619): YQVARGMEYL[Ala609Gly]SQKCIHRDLA